The following is an entry in ClinVar:

NM_033453.4(ITPA):c.49_66+4del

Gene: ITPA (inosine triphosphatase; plus strand). Cytogenetic location: 20p13.
Variant type: Deletion.
Coding change: c.49_66+4del on transcript NM_033453.4 (MANE Select); coding-DNA position 49 through 4 bases into the intron after coding-DNA position 66, 22 bases deleted (GCCAAGAAGCTGGAGGAGGTGC).
Molecular consequence: splice donor variant. On other transcripts: intron variant (4).
Genome position (GRCh38, 1-based): chr20:3,209,600-3,209,621, GCCAAGAAGCTGGAGGAGGTGC deleted; deleting any 22 consecutive bases within chr20:3,209,599-3,209,621 gives the same sequence; the c. name uses the placement nearest the transcript's 3' end. VCF-style (leftmost placement, unchanged base first): chr20-3209598-ACGCCAAGAAGCTGGAGGAGGTG-A. GRCh37 (hg19) VCF-style: chr20-3190244-ACGCCAAGAAGCTGGAGGAGGTG-A.
Other names: c.-272+567_-272+588del (NM_001324237.2); c.-275+567_-275+588del (NM_001324238.2); c.49_66+4del (NM_001324240.2, NM_001267623.2); c.-292_-275+4del (NM_001324236.2); c.15+34_15+55del (NM_181493.4); c.-275+65_-275+86del (NM_001351739.2).
Identifiers: ClinVar variation 1066265 (VCV001066265.8), dbSNP rs2122274245, ClinGen allele CA2499225717.

ClinVar aggregate classification (germline): Likely pathogenic (1 of 4 stars; one submission).

Conditions:
Inosine triphosphatase deficiency. Also called: INOSINE TRIPHOSPHATE PYROPHOSPHOHYDROLASE DEFICIENCY. Identifiers: MedGen C0342800, MONDO:0013461, OMIM 613850.

Submission:

Labcorp Genetics (formerly Invitae), Labcorp
Classification: Likely pathogenic for Inosine triphosphatase deficiency. Last evaluated: 2020-02-13. Review status: criteria provided, single submitter. Criteria: Invitae Variant Classification Sherloc (09022015). Collection method: clinical testing. Allele origin: germline.
Comment: In summary, the currently available evidence indicates that the variant is pathogenic, but additional data are needed to prove that conclusively. Therefore, this variant has been classified as Likely Pathogenic. This variant results in the deletion of part of exon 1 (c.49_66+4del) of the ITPA gene. It is expected to disrupt RNA splicing and likely results in an absent or disrupted protein product. This variant is not present in population databases (ExAC no frequency). This variant has not been reported in the literature in individuals with ITPA-related conditions. Algorithms developed to predict the effect of sequence changes on RNA splicing suggest that this variant may disrupt the consensus splice site, but this prediction has not been confirmed by published transcriptional studies. Loss-of-function variants in ITPA are known to be pathogenic (PMID: 26224535).

Literature cited by the submitters: PubMed 26224535.